The following is an entry in ClinVar:

ClinVar aggregate classification (germline): Likely pathogenic. Review status: criteria provided, multiple submitters, no conflicts (2 of 4 stars). 2 submissions from 2 submitters: Likely pathogenic (2). Last evaluated 2025-09-11.

Conditions:
Smith-Lemli-Opitz syndrome (SLOS). Also called: POLYDACTYLY, SEX REVERSAL, RENAL HYPOPLASIA, AND UNILOBAR LUNG; RSH SYNDROME; RUTLEDGE LETHAL MULTIPLE CONGENITAL ANOMALY SYNDROME; 7-Dehydrocholesterol reductase deficiency; LETHAL ACRODYSGENITAL SYNDROME. Identifiers: Orphanet 818, MedGen C0175694, MONDO:0010035, OMIM 270400.

gnomAD v4.1: 1 of 1,578,602 alleles (0.000063%); highest among the groups gnomAD compares: Non-Finnish European, 0.000086%; no homozygotes.

Submissions (2):

Natera, Inc.
Classification: Likely pathogenic for Smith-Lemli-Opitz syndrome. Last evaluated: 2025-09-11. Review status: criteria provided, single submitter. Criteria: Natera Variant Classification Schema (03/2026). Collection method: clinical testing. Allele origin: germline.
Comment: The c.99G>A variant in DHCR7 is a nonsense variant predicted to introduce a stop codon at amino acid 33. This variant is expected to result in nonsense mediated decay, truncation, or a dysfunctional protein product. This variant is rare in the general population with a frequency below the threshold expected for the associated phenotype(s). Given the available evidence, this variant is classified as Likely Pathogenic.

Baylor Genetics
Classification: Likely pathogenic for Smith-Lemli-Opitz syndrome. Last evaluated: 2022-03-17. Review status: criteria provided, single submitter. Criteria: ACMG Guidelines, 2015. Collection method: clinical testing. Allele origin: unknown.

NM_001360.3(DHCR7):c.99G>A (p.Trp33Ter)

Gene: DHCR7 (7-dehydrocholesterol reductase; minus strand). Cytogenetic location: 11q13.4.
Variant type: single nucleotide variant.
Coding change: c.99G>A on transcript NM_001360.3 (MANE Select); coding-DNA position 99, G replaced by A.
Protein change: p.Trp33Ter; replaces tryptophan 33 with a stop codon.
Molecular consequence: nonsense.
Genome position (GRCh38, 1-based): chr11:71,444,215, C>T on the plus strand (G>A on the coding strand, the complement: DHCR7 is on the minus strand). VCF-style: chr11-71444215-C-T. GRCh37 (hg19) VCF-style: chr11-71155261-C-T.
Other names: c.99G>A, p.Trp33Ter (NM_001163817.2); short protein forms W33*.
Identifiers: ClinVar variation 2442157 (VCV002442157.2), dbSNP rs2539237303, ClinGen allele CA381696764.
Genomic context (GRCh38, chr11:71,444,215, plus strand): 5'-GATGAAGGGGGCGAACAGCAGTAGGAAGATGACGCTCGCCAGTGAAAACCAGTCCACCTC[C>T]CTGCGAGGACGGATGCAGGCAGTCACACTGGGGCCCATCTGCCCTGGGCCCCACCAGGAC-3'